The following is an entry in ClinVar:

NM_000094.4(COL7A1):c.3140-3C>A

Gene: COL7A1 (collagen type VII alpha 1 chain; minus strand). Cytogenetic location: 3p21.31.
Variant type: single nucleotide variant.
Coding change: c.3140-3C>A on transcript NM_000094.4 (MANE Select); 3 bases into the intron before coding-DNA position 3140, C replaced by A.
Molecular consequence: intron variant.
Genome position (GRCh38, 1-based): chr3:48,587,111, G>T on the plus strand (C>A on the coding strand, the complement: COL7A1 is on the minus strand). VCF-style: chr3-48587111-G-T. GRCh37 (hg19) VCF-style: chr3-48624544-G-T.
Identifiers: ClinVar variation 1512529 (VCV001512529.5), dbSNP rs763870721, ClinGen allele CA2380620.
Genomic context (GRCh38, chr3:48,587,111, plus strand): 5'-GCATTGTCTTGAGTGGCATGTGGTAGGAACACCACATCCGCCAGGCCACGGGGGCACACT[G>T]TAGGAAGGGGAACAAGTTACTGAAGCGGGCAGCCCACCCAGACACACCTTTCTGCCCTTC-3'

ClinVar aggregate classification (germline): Uncertain significance (1 of 4 stars; one submission).

Allele frequency attached by ClinVar (database versions not stated): TOPMed below 0.00001; ExAC 0.00001; gnomAD exomes 0.00001.
gnomAD v4.1: 10 of 1,613,092 alleles (0.00062%); highest among the groups gnomAD compares: South Asian, 0.0099%; 1 homozygote.

Submission:

Labcorp Genetics (formerly Invitae), Labcorp
Classification: Uncertain significance. Last evaluated: 2024-08-05. Review status: criteria provided, single submitter. Criteria: Invitae Variant Classification Sherloc (09022015). Collection method: clinical testing. Allele origin: germline.
Comment: This sequence change falls in intron 23 of the COL7A1 gene. It does not directly change the encoded amino acid sequence of the COL7A1 protein. It affects a nucleotide within the consensus splice site. This variant is present in population databases (rs763870721, gnomAD 0.007%). This variant has not been reported in the literature in individuals affected with COL7A1-related conditions. ClinVar contains an entry for this variant (Variation ID: 1512529). Variants that disrupt the consensus splice site are a relatively common cause of aberrant splicing (PMID: 17576681, 9536098). Algorithms developed to predict the effect of sequence changes on RNA splicing suggest that this variant may disrupt the consensus splice site. In summary, the available evidence is currently insufficient to determine the role of this variant in disease. Therefore, it has been classified as a Variant of Uncertain Significance.

Literature cited by the submitters: PubMed 17576681; PubMed 9536098.